The following is an entry in ClinVar:

ClinVar aggregate classification (germline): Conflicting classifications of pathogenicity. Review status: criteria provided, conflicting classifications (1 of 4 stars). 2 submissions from 2 submitters: Uncertain significance (1); Likely benign (1). Last evaluated 2023-03-23.

Conditions:
Hereditary cancer-predisposing syndrome. Also called: Hereditary neoplastic syndrome; Neoplastic Syndromes, Hereditary; Tumor predisposition; Hereditary Cancer Syndrome. Identifiers: Orphanet 140162, MedGen C0027672, MeSH D009386, MONDO:0015356.
Hereditary breast ovarian cancer syndrome. Also called: Hereditary breast and ovarian cancer syndrome (HBOC); BRCA1- and BRCA2-Associated Hereditary Breast and Ovarian Cancer; Hereditary breast and ovarian cancer syndrome; Breast and ovarian cancer; Hereditary breast and ovarian cancer; Hereditary breast and/or ovarian cancer syndrome. Identifiers: Orphanet 145, MedGen C0677776, MeSH D061325, MONDO:0003582. Disease mechanism: loss of function.

Allele frequency attached by ClinVar (database versions not stated): gnomAD exomes below 0.00001.
gnomAD v4.1: 1 of 1,614,002 alleles (0.000062%); highest among the groups gnomAD compares: Non-Finnish European, 0.000085%; no homozygotes.

Submissions (2):

University of Washington Department of Laboratory Medicine, University of Washington
Classification: Likely benign for Hereditary cancer-predisposing syndrome. Last evaluated: 2023-03-23. Review status: criteria provided, single submitter. Criteria: Dines et al. (Genet Med. 2020). Collection method: curation. Allele origin: germline.
Comment: Missense variant in a coldspot region where missense variants are very unlikely to be pathogenic (PMID:31911673).

BRCA2 exon 11 coldspot. Reclassification based on statistical prior probability.

Labcorp Genetics (formerly Invitae), Labcorp
Classification: Uncertain significance for Hereditary breast ovarian cancer syndrome. Last evaluated: 2017-12-29. Review status: criteria provided, single submitter. Criteria: Invitae Variant Classification Sherloc (09022015). Collection method: clinical testing. Allele origin: germline.
Comment: In summary, the available evidence is currently insufficient to determine the role of this variant in disease. Therefore, it has been classified as a Variant of Uncertain Significance. Algorithms developed to predict the effect of missense changes on protein structure and function output the following: SIFT: "Tolerated"; PolyPhen-2: "Probably Damaging"; Align-GVGD: "Class C0". The proline amino acid residue is found in multiple mammalian species, suggesting that this missense change does not adversely affect protein function. These predictions have not been confirmed by published functional studies and their clinical significance is uncertain. This variant has not been reported in the literature in individuals with BRCA2-related disease. This variant is not present in population databases (ExAC no frequency). This sequence change replaces leucine with proline at codon 769 of the BRCA2 protein (p.Leu769Pro). The leucine residue is weakly conserved and there is a moderate physicochemical difference between leucine and proline.

NM_000059.4(BRCA2):c.2306T>C (p.Leu769Pro)

Gene: BRCA2 (BRCA2 DNA repair associated; plus strand). Cytogenetic location: 13q13.1.
Variant type: single nucleotide variant.
Coding change: c.2306T>C on transcript NM_000059.4 (MANE Select); coding-DNA position 2306, T replaced by C.
Protein change: p.Leu769Pro; replaces leucine 769 with proline.
Molecular consequence: missense variant.
Genome position (GRCh38, 1-based): chr13:32,336,661, T>C. VCF-style: chr13-32336661-T-C. GRCh37 (hg19) VCF-style: chr13-32910798-T-C.
Other names: short protein forms L769P.
Identifiers: ClinVar variation 531401 (VCV000531401.10), dbSNP rs1555282603, ClinGen allele CA387771352.